The following is an entry in ClinVar:

ClinVar aggregate classification (germline): Likely benign (1 of 4 stars; one submission).

Submission:

CeGaT Center for Human Genetics Tuebingen
Classification: Likely benign. Last evaluated: 2026-02-01. Review status: criteria provided, single submitter. Criteria: CeGaT Center For Human Genetics Tuebingen Variant Classification Criteria Version 2. Collection method: clinical testing. Allele origin: germline. Affected: yes. Observed: 1 variant allele.
Comment: TNNI3K: BP4

NM_015978.3(TNNI3K):c.933-5_933-4dup

Genes: FPGT-TNNI3K (FPGT-TNNI3K readthrough; plus strand), TNNI3K (TNNI3 interacting kinase; plus strand). Cytogenetic location: 1p31.1.
Variant type: Duplication.
Coding change: c.933-5_933-4dup on transcript NM_015978.3 (MANE Select); 5 bases into the intron before coding-DNA position 933 through 4 bases into the intron before coding-DNA position 933, 2 bases duplicated (TT; older notation c.933-5_933-4dupTT).
Molecular consequence: intron variant.
Genome position (GRCh38, 1-based): chr1:74,353,261-74,353,262, TT duplicated; duplicating any 2 consecutive bases within chr1:74,353,253-74,353,262 gives the same sequence; the c. name uses the placement nearest the transcript's 3' end. VCF-style (leftmost placement, unchanged base first): chr1-74353252-G-GTT. GRCh37 (hg19) VCF-style: chr1-74818936-G-GTT.
Other names: c.1236-5_1236-4dup (NM_001112808.3, NM_001199327.2).
Identifiers: ClinVar variation 4821730 (VCV004821730.4).